The following is an entry in ClinVar:

ClinVar aggregate classification (germline): Pathogenic (1 of 4 stars; one submission).

Conditions:
Chromosome 2q32-q33 deletion syndrome (GLASS). Also called: Glass syndrome; 2q33.1 deletion syndrome. Identifiers: Orphanet 251019, MedGen C2676739, MONDO:0012864, OMIM 612313.

Submission:

Victorian Clinical Genetics Services, Murdoch Childrens Research Institute
Classification: Pathogenic for Chromosome 2q32-q33 deletion syndrome. Last evaluated: 2024-10-08. Review status: criteria provided, single submitter. Criteria: ACMG Guidelines, 2015. Collection method: clinical testing. Allele origin: germline. Inheritance: Autosomal dominant inheritance. Affected: yes.
Comment: Based on the classification scheme VCGS_Germline_v1.3.4, this variant is classified as Pathogenic. Following criteria are met: 0102 - Loss of function is a known mechanism of disease in this gene and is associated with Glass syndrome (MIM#612313). (I) 0107 - This gene is associated with autosomal dominant disease. (I) 0115 - Variants in this gene are known to have variable expressivity (OMIM). (I) 0201 - Variant is predicted to cause nonsense-mediated decay (NMD) and loss of protein (premature termination codon is located at least 54 nucleotides upstream of the final exon-exon junction). (SP) 0251 - This variant is heterozygous. (I) 0301 - Variant is absent from gnomAD (both v2 and v3). (SP) 0701 - Other NMD-predicted variants comparable to the one identified in this case have very strong previous evidence for pathogenicity (DECIPHER, PMID: 27774744). (SP) 0807 - This variant has no previous evidence of pathogenicity. (I) 0905 - No published segregation evidence has been identified for this variant. (I) 1007 - No published functional evidence has been identified for this variant. (I) 1208 - Inheritance information for this variant is not currently available in this individual. (I) Legend: (SP) - Supporting pathogenic, (I) - Information, (SB) - Supporting benign

Literature cited by the submitters: PubMed 27774744.

NM_001172509.2(SATB2):c.728C>G (p.Ser243Ter)

Gene: SATB2 (SATB homeobox 2; minus strand). Cytogenetic location: 2q33.1.
Variant type: single nucleotide variant.
Coding change: c.728C>G on transcript NM_001172509.2 (MANE Select); coding-DNA position 728, C replaced by G.
Protein change: p.Ser243Ter; replaces serine 243 with a stop codon.
Molecular consequence: nonsense.
Genome position (GRCh38, 1-based): chr2:199,349,146, G>C on the plus strand (C>G on the coding strand, the complement: SATB2 is on the minus strand). VCF-style: chr2-199349146-G-C. GRCh37 (hg19) VCF-style: chr2-200213869-G-C.
Other names: c.728C>G, p.Ser243Ter (NM_001172517.1, NM_015265.4); short protein forms S243*.
Identifiers: ClinVar variation 1805641 (VCV001805641.2), dbSNP rs2468897377, ClinGen allele CA350388265.